The following is an entry in ClinVar:

ClinVar aggregate classification (germline): Likely pathogenic. Review status: criteria provided, multiple submitters, no conflicts (2 of 4 stars). 2 submissions from 2 submitters: Likely pathogenic (2). Last evaluated 2024-03-06.

Conditions:
Mitochondrial trifunctional protein deficiency. Identifiers: Orphanet 746, MedGen C1969443, MONDO:0012172.
Long chain 3-hydroxyacyl-CoA dehydrogenase deficiency. Also called: LCHAD Deficiency; Deficiency of long-chain 3-hydroxyacyl-coenzyme A dehydrogenase. Identifiers: Orphanet 5, MedGen C3711645, MONDO:0012173, OMIM 609016.

Submissions (3):

Baylor Genetics
Classification: Likely pathogenic for Long chain 3-hydroxyacyl-CoA dehydrogenase deficiency. Last evaluated: 2024-03-06. Review status: criteria provided, single submitter. Criteria: ACMG Guidelines, 2015. Collection method: clinical testing. Allele origin: unknown.

Labcorp Genetics (formerly Invitae), Labcorp
Classification: Likely pathogenic for Mitochondrial trifunctional protein deficiency; Long chain 3-hydroxyacyl-CoA dehydrogenase deficiency. Last evaluated: 2023-05-13. Review status: criteria provided, single submitter. Criteria: Invitae Variant Classification Sherloc (09022015). Collection method: clinical testing. Allele origin: germline.
Comment: In summary, the currently available evidence indicates that the variant is pathogenic, but additional data are needed to prove that conclusively. Therefore, this variant has been classified as Likely Pathogenic. Algorithms developed to predict the effect of sequence changes on RNA splicing suggest that this variant may disrupt the consensus splice site. This variant has not been reported in the literature in individuals affected with HADHA-related conditions. This variant is not present in population databases (gnomAD no frequency). This sequence change affects an acceptor splice site in intron 7 of the HADHA gene. It is expected to disrupt RNA splicing. Variants that disrupt the donor or acceptor splice site typically lead to a loss of protein function (PMID: 16199547), and loss-of-function variants in HADHA are known to be pathogenic (PMID: 7738175, 21103935, 21549624, 22459206).

Dr. Peter K. Rogan Lab, Western University
No classification provided (evidence only). Condition: Thyroid cancer, nonmedullary, 1. Review status: no classification provided. Collection method: in vitro. Allele origin: not applicable. Functional consequence: retained intron. Not counted in ClinVar's aggregate classification.

Literature cited by the submitters: PubMed 16199547 (cited by Labcorp Genetics (formerly Invitae), Labcorp); PubMed 7738175 (cited by Labcorp Genetics (formerly Invitae), Labcorp); PubMed 21103935 (cited by Labcorp Genetics (formerly Invitae), Labcorp); PubMed 21549624 (cited by Labcorp Genetics (formerly Invitae), Labcorp); PubMed 22459206 (cited by Labcorp Genetics (formerly Invitae), Labcorp).

NM_000182.5(HADHA):c.677-2A>G

Gene: HADHA (hydroxyacyl-CoA dehydrogenase trifunctional multienzyme complex subunit alpha; minus strand). Cytogenetic location: 2p23.3.
Variant type: single nucleotide variant.
Coding change: c.677-2A>G on transcript NM_000182.5 (MANE Select); the canonical splice acceptor site of the intron before coding-DNA position 677, A replaced by G.
Molecular consequence: splice acceptor variant.
Genome position (GRCh38, 1-based): chr2:26,215,177, T>C on the plus strand (A>G on the coding strand, the complement: HADHA is on the minus strand). VCF-style: chr2-26215177-T-C. GRCh37 (hg19) VCF-style: chr2-26438046-T-C.
Identifiers: ClinVar variation 2947730 (VCV002947730.5), dbSNP rs2465562056, ClinGen allele CA346091706.